The following is an entry in ClinVar:

NM_000660.7(TGFB1):c.764G>T (p.Arg255Leu)

Gene: TGFB1 (transforming growth factor beta 1; minus strand). Cytogenetic location: 19q13.2.
Variant type: single nucleotide variant.
Coding change: c.764G>T on transcript NM_000660.7 (MANE Select); coding-DNA position 764, G replaced by T.
Protein change: p.Arg255Leu; replaces arginine 255 with leucine.
Molecular consequence: missense variant.
Genome position (GRCh38, 1-based): chr19:41,341,979, C>A on the plus strand (G>T on the coding strand, the complement: TGFB1 is on the minus strand). VCF-style: chr19-41341979-C-A. GRCh37 (hg19) VCF-style: chr19-41847884-C-A.
Other names: short protein forms R255L.
Identifiers: ClinVar variation 2788190 (VCV002788190.3), dbSNP rs149900977, ClinGen allele CA405999526.
Genomic context (GRCh38, chr19:41,341,979, plus strand): 5'-CGGGAGCTTTGCAGATGCTGGGCCCTCTCCAGCGGGGTGGCCATGAGAAGCAGGAAAGGC[C>A]GGTTCATGCCATGAATGGTGGCCAGGTCACCTCGGCGGCCGGTAGTGAACCCTGCTTTGG-3'
Protein context (NP_000651.3, residues 245-265): GDLATIHGMN[Arg255Leu]PFLLLMATPL

ClinVar aggregate classification (germline): Uncertain significance (1 of 4 stars; one submission).

Submission:

Labcorp Genetics (formerly Invitae), Labcorp
Classification: Uncertain significance. Last evaluated: 2025-07-16. Review status: criteria provided, single submitter. Criteria: Invitae Variant Classification Sherloc (09022015). Collection method: clinical testing. Allele origin: germline.
Comment: This sequence change replaces arginine, which is basic and polar, with leucine, which is neutral and non-polar, at codon 255 of the TGFB1 protein (p.Arg255Leu). This variant is not present in population databases (gnomAD no frequency). This variant has not been reported in the literature in individuals affected with TGFB1-related conditions. ClinVar contains an entry for this variant (Variation ID: 2788190). Invitae Evidence Modeling of protein sequence and biophysical properties (such as structural, functional, and spatial information, amino acid conservation, physicochemical variation, residue mobility, and thermodynamic stability) indicates that this missense variant is not expected to disrupt TGFB1 protein function with a negative predictive value of 80%. In summary, the available evidence is currently insufficient to determine the role of this variant in disease. Therefore, it has been classified as a Variant of Uncertain Significance.